The following is an entry in ClinVar:

ClinVar aggregate classification (germline): Uncertain significance (1 of 4 stars; one submission).

Submission:

GeneDx
Classification: Uncertain significance. Last evaluated: 2024-09-26. Review status: criteria provided, single submitter. Criteria: GeneDx Variant Classification Process June 2021. Collection method: clinical testing. Allele origin: germline. Affected: yes.
Comment: Has not been previously reported in peer-reviewed literature as pathogenic or benign to our knowledge. However, in an abstract by Vogel et al. (2022), this variant was identified in a cohort of individuals with severe clinical obesity and was suggested to be a loss-of-function variant; In silico analysis supports that this missense variant has a deleterious effect on protein structure/function; This variant is associated with the following publications: (PMID: VogelM2022[abstract])

NM_005068.3(SIM1):c.488G>A (p.Arg163Lys)

Gene: SIM1 (SIM bHLH transcription factor 1; minus strand). Cytogenetic location: 6q16.3.
Variant type: single nucleotide variant.
Coding change: c.488G>A on transcript NM_005068.3 (MANE Select); coding-DNA position 488, G replaced by A.
Protein change: p.Arg163Lys; replaces arginine 163 with lysine.
Molecular consequence: missense variant.
Genome position (GRCh38, 1-based): chr6:100,449,418, C>T on the plus strand (G>A on the coding strand, the complement: SIM1 is on the minus strand). VCF-style: chr6-100449418-C-T. GRCh37 (hg19) VCF-style: chr6-100897294-C-T.
Other names: c.488G>A, p.Arg163Lys (NM_001374769.1); short protein forms R163K.
Identifiers: ClinVar variation 3774851 (VCV003774851.1).